The following is an entry in ClinVar:

NM_000130.5(F5):c.5490G>A (p.Leu1830=)

Gene: F5 (coagulation factor V; minus strand). Cytogenetic location: 1q24.2.
Variant type: single nucleotide variant.
Coding change: c.5490G>A on transcript NM_000130.5 (MANE Select); coding-DNA position 5490, G replaced by A.
Protein change: p.Leu1830=; no amino-acid change (leucine 1830 retained).
Molecular consequence: synonymous variant.
Genome position (GRCh38, 1-based): chr1:169,528,024, C>T on the plus strand (G>A on the coding strand, the complement: F5 is on the minus strand). VCF-style: chr1-169528024-C-T. GRCh37 (hg19) VCF-style: chr1-169497262-C-T.
Identifiers: ClinVar variation 293582 (VCV000293582.40), dbSNP rs149092241, ClinGen allele CA1233487.

ClinVar aggregate classification (germline): Conflicting classifications of pathogenicity. Review status: criteria provided, conflicting classifications (1 of 4 stars). 8 submissions from 6 submitters: Uncertain significance (3); Likely benign (4). 1 of the submissions does not count toward it. Last evaluated 2026-03-01.

Conditions:
F5-related disorder. Also called: F5-related condition.
Congenital factor V deficiency. Also called: Hereditary factor V deficiency disease; LABILE FACTOR DEFICIENCY; OWREN PARAHEMOPHILIA; PARAHEMOPHILIA. Identifiers: Orphanet 326, MedGen C0015499, MONDO:0009210, OMIM 227400.
Thrombophilia due to thrombin defect (THPH1). Also called: THROMBOPHILIA DUE TO FACTOR 2 DEFECT; Prothrombin-Related Thrombophilia (Factor II); Thrombosis susceptibility; Prothrombin Thrombophilia. Identifiers: MedGen C3160733, MONDO:0008559, OMIM 188050. Disease mechanism: gain of function, loss of function.
Inborn genetic diseases. Identifiers: MedGen C0950123, MeSH D030342.
Budd-Chiari syndrome (BDCHS). Also called: Hepatic vein obstruction. Identifiers: Orphanet 131, MedGen C0856761, MONDO:0010947, OMIM 600880, HP:0002639.
Factor V deficiency. Also called: Reduced coagulation factor V activity. Identifiers: Orphanet 326, MedGen C4317320, MONDO:0020586, HP:0003225.

Allele frequency attached by ClinVar (database versions not stated): gnomAD 0.00029 and 0.00031; TOPMed 0.00032; gnomAD exomes 0.00037 and 0.00044; ExAC 0.00046; ESP Exome Variant Server 0.00046.
gnomAD v4.1: 593 of 1,613,938 alleles (0.037%); highest among the groups gnomAD compares: Middle Eastern, 0.25%; 1 homozygote.

Submissions (8):

CeGaT Center for Human Genetics Tuebingen
Classification: Likely benign. Last evaluated: 2026-03-01. Review status: criteria provided, single submitter. Criteria: CeGaT Center For Human Genetics Tuebingen Variant Classification Criteria Version 2. Collection method: clinical testing. Allele origin: germline. Affected: yes. Observed: 2 variant alleles.
Comment: F5: BP4, BP7

Labcorp Genetics (formerly Invitae), Labcorp
Classification: Likely benign for Congenital factor V deficiency. Last evaluated: 2025-12-19. Review status: criteria provided, single submitter. Criteria: Invitae Variant Classification Sherloc (09022015). Collection method: clinical testing. Allele origin: germline.

Blueprint Genetics
Classification: Likely benign. Last evaluated: 2024-09-24. Review status: criteria provided, single submitter. Criteria: ACMG Guidelines, 2015. Collection method: clinical testing. Allele origin: germline.

Ambry Genetics
Classification: Likely benign for Inborn genetic diseases. Last evaluated: 2022-05-02. Review status: criteria provided, single submitter. Criteria: Ambry Variant Classification Scheme 2023. Collection method: clinical testing. Allele origin: germline.

Illumina Laboratory Services, Illumina
Classification: Uncertain significance for Congenital factor V deficiency. Last evaluated: 2018-01-13. Review status: criteria provided, single submitter. Criteria: ICSL Variant Classification Criteria 13 December 2019. Collection method: clinical testing. Allele origin: germline.

Illumina Laboratory Services, Illumina
Classification: Uncertain significance for Venous thrombosis. Last evaluated: 2018-01-13. Review status: criteria provided, single submitter. Criteria: ICSL Variant Classification Criteria 13 December 2019. Collection method: clinical testing. Allele origin: germline.

Illumina Laboratory Services, Illumina
Classification: Uncertain significance for Budd-Chiari syndrome. Last evaluated: 2018-01-13. Review status: criteria provided, single submitter. Criteria: ICSL Variant Classification Criteria 13 December 2019. Collection method: clinical testing. Allele origin: germline.

PreventionGenetics, part of Exact Sciences
Classification: Likely benign for F5-related condition. Last evaluated: 2023-08-09. Review status: no assertion criteria provided. Collection method: clinical testing. Allele origin: germline. Not counted in ClinVar's aggregate classification.
Comment: This variant is classified as likely benign based on ACMG/AMP sequence variant interpretation guidelines (Richards et al. 2015 PMID: 25741868, with internal and published modifications).